The following is an entry in ClinVar:

NM_001083962.2(TCF4):c.712T>C (p.Tyr238His)

Gene: TCF4 (transcription factor 4; minus strand). Cytogenetic location: 18q21.2.
Variant type: single nucleotide variant.
Coding change: c.712T>C on transcript NM_001083962.2 (MANE Select); coding-DNA position 712, T replaced by C.
Protein change: p.Tyr238His; replaces tyrosine 238 with histidine.
Molecular consequence: missense variant.
Genome position (GRCh38, 1-based): chr18:55,275,696, A>G on the plus strand (T>C on the coding strand, the complement: TCF4 is on the minus strand). VCF-style: chr18-55275696-A-G. GRCh37 (hg19) VCF-style: chr18-52942927-A-G.
Other names: c.1018T>C, p.Tyr340His (NM_001243226.3); c.640T>C, p.Tyr214His (NM_001243227.2, NM_001306207.1, NM_001369575.1 and 9 more transcripts); c.730T>C, p.Tyr244His (NM_001243228.2); c.706T>C, p.Tyr236His (NM_001243230.2); c.586T>C, p.Tyr196His (NM_001243231.2, NM_001348211.2); c.499T>C, p.Tyr167His (NM_001243232.1, NM_001306208.1); c.322T>C, p.Tyr108His (NM_001243233.2, NM_001330605.3, NM_001348212.2 and 1 more transcripts); c.232T>C, p.Tyr78His (NM_001243234.2, NM_001243235.2, NM_001243236.2 and 2 more transcripts); and 4 more; short protein forms Y196H, Y213H, Y236H, Y237H, Y244H, Y167H, Y340H, Y108H.
Identifiers: ClinVar variation 1448684 (VCV001448684.6), dbSNP rs2146146536, ClinGen allele CA402701563.

ClinVar aggregate classification (germline): Uncertain significance (1 of 4 stars; one submission).

Conditions:
Pitt-Hopkins syndrome (PTHS). Also called: ENCEPHALOPATHY, SEVERE EPILEPTIC, WITH AUTONOMIC DYSFUNCTION; MENTAL RETARDATION, SYNDROMAL, WITH INTERMITTENT HYPERVENTILATION. Identifiers: Orphanet 2896, MedGen C1970431, MONDO:0012589, OMIM 610954.

Submission:

Labcorp Genetics (formerly Invitae), Labcorp
Classification: Uncertain significance for Pitt-Hopkins syndrome. Last evaluated: 2025-03-06. Review status: criteria provided, single submitter. Criteria: Invitae Variant Classification Sherloc (09022015). Collection method: clinical testing. Allele origin: germline.
Comment: This sequence change replaces tyrosine, which is neutral and polar, with histidine, which is basic and polar, at codon 238 of the TCF4 protein (p.Tyr238His). This variant is not present in population databases (gnomAD no frequency). This variant has not been reported in the literature in individuals affected with TCF4-related conditions. ClinVar contains an entry for this variant (Variation ID: 1448684). Invitae Evidence Modeling of protein sequence and biophysical properties (such as structural, functional, and spatial information, amino acid conservation, physicochemical variation, residue mobility, and thermodynamic stability) indicates that this missense variant is not expected to disrupt TCF4 protein function with a negative predictive value of 95%. In summary, the available evidence is currently insufficient to determine the role of this variant in disease. Therefore, it has been classified as a Variant of Uncertain Significance.